The following is an entry in ClinVar:

NM_001123385.2(BCOR):c.472dup (p.Ser158fs)

Genes: BCOR (BCL6 corepressor; minus strand), LOC126863239 (MED14-independent group 3 enhancer GRCh37_chrX:39932994-39934193; plus strand). Cytogenetic location: Xp11.4.
Variant type: Duplication.
Coding change: c.472dup on transcript NM_001123385.2 (MANE Select); coding-DNA position 472, one base duplicated (A; older notation c.472dupA).
Protein change: p.Ser158fs; shifts the reading frame from serine 158.
Molecular consequence: frameshift variant.
Genome position (GRCh38, 1-based): chrX:40,074,874, T duplicated on the plus strand (A on the coding strand, the reverse complement: BCOR is on the minus strand); the first of 6 consecutive T bases (chrX:40,074,874-40,074,879); duplicating any one gives the same sequence. VCF-style (leftmost placement, unchanged base first): chrX-40074873-C-CT. GRCh37 (hg19) VCF-style: chrX-39934126-C-CT.
Other names: c.472dup, p.Ser158fs (NM_001123383.2, NM_001123384.2, NM_001437510.1 and 4 more transcripts); short protein forms S158fs.
Identifiers: ClinVar variation 4530159 (VCV004530159.1).

ClinVar aggregate classification (somatic clinical impact): Tier II - Potential (1 of 4 stars; one submission).

Conditions:
Ewing sarcoma (ES). Also called: Ewing's sarcoma; Ewing's tumor; Ewing tumor. Identifiers: Orphanet 2677, Orphanet 319, MedGen C0553580, MONDO:0012817, OMIM 612219, HP:0012254.

Submission:

Institute for Genomic Medicine (IGM) Clinical Laboratory, Nationwide Children's Hospital
Classification: Tier II - Potential for Ewing sarcoma. Assertion type: diagnostic. Clinical significance: supports diagnosis. Last evaluated: 2024-06-23. Review status: criteria provided, single submitter. Criteria: AMP/ASCO/CAP Guidelines, 2017. Collection method: clinical testing. Allele origin: somatic. Affected: yes.
Comment: Variant has Tier II (potential) clinical significance as a diagnostic inclusion criterion in Ewing sarcoma, based on the following evidence: 1) Documented in one or more cancer databases (e.g., St. Jude Pecan, COSMIC, CIViC, OncoKB). 2) Assists in diagnosis alone or along with other biomarkers based on small studies or few case reports (Evidence Level D; PMIDs: 24805859, 25360585, 31150281, 34103053, 34333045, 35100716).

Literature cited by the submitters: PubMed 24805859; PubMed 25360585; PubMed 31150281; PubMed 34103053; PubMed 34333045; PubMed 35100716.